The following is an entry in ClinVar:

ClinVar aggregate classification (germline): Uncertain significance (1 of 4 stars; one submission).

Conditions:
Inborn genetic diseases. Identifiers: MedGen C0950123, MeSH D030342.

Submission:

Ambry Genetics
Classification: Uncertain significance for Inborn genetic diseases. Last evaluated: 2026-03-04. Review status: criteria provided, single submitter. Criteria: Ambry Variant Classification Scheme 2023. Collection method: clinical testing. Allele origin: germline.
Comment: The p.V308L variant (also known as c.922G>C), located in coding exon 1 of the CEBPA gene, results from a G to C substitution at nucleotide position 922. The valine at codon 308 is replaced by leucine, an amino acid with highly similar properties. This amino acid position is conserved. In addition, this alteration is predicted to be tolerated by in silico analysis. Based on the available evidence, the clinical significance of this variant remains unclear.

NM_004364.5(CEBPA):c.922G>C (p.Val308Leu)

Gene: CEBPA (CCAAT enhancer binding protein alpha; minus strand). Cytogenetic location: 19q13.11.
Variant type: single nucleotide variant.
Coding change: c.922G>C on transcript NM_004364.5 (MANE Select); coding-DNA position 922, G replaced by C.
Protein change: p.Val308Leu; replaces valine 308 with leucine.
Molecular consequence: missense variant.
Genome position (GRCh38, 1-based): chr19:33,301,493, C>G on the plus strand (G>C on the coding strand, the complement: CEBPA is on the minus strand). VCF-style: chr19-33301493-C-G. GRCh37 (hg19) VCF-style: chr19-33792399-C-G.
Other names: c.565G>C, p.Val189Leu (NM_001285829.2); c.1027G>C, p.Val343Leu (NM_001287424.2); c.880G>C, p.Val294Leu (NM_001287435.2); short protein forms V294L, V343L, V189L, V308L.
Identifiers: ClinVar variation 4827149 (VCV004827149.1).